The following is an entry in ClinVar:

NM_022489.4(INF2):c.814C>T (p.Gln272Ter)

Gene: INF2 (inverted formin 2; plus strand). Cytogenetic location: 14q32.33.
Variant type: single nucleotide variant.
Coding change: c.814C>T on transcript NM_022489.4 (MANE Select); coding-DNA position 814, C replaced by T.
Protein change: p.Gln272Ter; replaces glutamine 272 with a stop codon.
Molecular consequence: nonsense.
Genome position (GRCh38, 1-based): chr14:104,706,147, C>T. VCF-style: chr14-104706147-C-T. GRCh37 (hg19) VCF-style: chr14-105172484-C-T.
Other names: c.814C>T, p.Gln272Ter (NM_001031714.4); short protein forms Q272*.
Identifiers: ClinVar variation 2631820 (VCV002631820.1), dbSNP rs766785412, ClinGen allele CA7372429.

ClinVar aggregate classification (germline): Uncertain significance (1 of 4 stars; one submission).

Conditions:
INF2-related disorder. Also called: INF2-related condition.

Submission:

PreventionGenetics, part of Exact Sciences
Classification: Uncertain significance for INF2-related condition. Last evaluated: 2023-08-02. Review status: criteria provided, single submitter. Criteria: ACMG Guidelines, 2015. Collection method: clinical testing. Allele origin: germline.
Comment: The INF2 c.814C>T variant is predicted to result in premature protein termination (p.Gln272*). To our knowledge, this variant has not been reported in the literature or in a large population database, indicating this variant is rare. At this time, the clinical significance of this variant is uncertain due to the absence of conclusive functional and genetic evidence.